The following is an entry in ClinVar:

ClinVar aggregate classification (germline): Uncertain significance (1 of 4 stars; one submission).

Submission:

GeneDx
Classification: Uncertain significance. Last evaluated: 2026-01-27. Review status: criteria provided, single submitter. Criteria: GeneDx Variant Classification Process June 2021. Collection method: clinical testing. Allele origin: germline.
Comment: Not observed at significant frequency in large population cohorts (gnomAD); In silico analysis supports that this missense variant has a deleterious effect on protein structure/function; Has not been previously published as pathogenic or benign to our knowledge

NM_001370785.2(LRRC7):c.850G>C (p.Asp284His)

Gene: LRRC7 (leucine rich repeat containing 7; plus strand). Cytogenetic location: 1p31.1.
Variant type: single nucleotide variant.
Coding change: c.850G>C on transcript NM_001370785.2 (MANE Select); coding-DNA position 850, G replaced by C.
Protein change: p.Asp284His; replaces aspartic acid 284 with histidine.
Molecular consequence: missense variant.
Genome position (GRCh38, 1-based): chr1:69,986,305, G>C. VCF-style: chr1-69986305-G-C. GRCh37 (hg19) VCF-style: chr1-70451988-G-C.
Other names: NM_020794.2:c.736G>C; c.751G>C, p.Asp251His (NM_001330635.3, NM_001366839.3, NM_001366841.1); c.853G>C, p.Asp285His (NM_001350216.3); c.850G>C, p.Asp284His (NM_001366838.3); short protein forms D251H, D284H, D285H.
Identifiers: ClinVar variation 4975752 (VCV004975752.1).